The following is an entry in ClinVar:

NM_006030.4(CACNA2D2):c.2920del (p.Leu974fs)

Genes: CACNA2D2 (calcium voltage-gated channel auxiliary subunit alpha2delta 2; minus strand), LOC101928965 (uncharacterized LOC101928965; plus strand), LOC127898564 (CYB561D2-LOC101928965; plus strand). Cytogenetic location: 3p21.31.
Variant type: Deletion.
Coding change: c.2920del on transcript NM_006030.4 (MANE Select); coding-DNA position 2920, one base deleted (C; older notation c.2920delC).
Protein change: p.Leu974fs; shifts the reading frame from leucine 974.
Molecular consequence: frameshift variant. On other transcripts: non-coding transcript variant (2).
Genome position (GRCh38, 1-based): chr3:50,365,684, G deleted on the plus strand (C on the coding strand, the reverse complement: CACNA2D2 is on the minus strand); the first of 3 consecutive G bases (chr3:50,365,684-50,365,686); deleting any one gives the same sequence. VCF-style (leftmost placement, unchanged base first): chr3-50365683-AG-A. GRCh37 (hg19) VCF-style: chr3-50403114-AG-A.
Other names: c.2920del, p.Leu974fs (NM_001005505.3); c.2941del, p.Leu981fs (NM_001174051.3); c.2713del, p.Leu905fs (NM_001291101.1); short protein forms L974fs, L981fs, L905fs.
Identifiers: ClinVar variation 1434960 (VCV001434960.7), dbSNP rs2109400541, ClinGen allele CA2573137221.

ClinVar aggregate classification (germline): Pathogenic (1 of 4 stars; one submission).

Conditions:
Early-infantile DEE. Also called: Ohtahara syndrome; Early infantile epileptic encephalopathy with suppression bursts; Early infantile epileptic encephalopathy. Identifiers: Orphanet 1934, MedGen C0393706, MONDO:0800491.

Submission:

Labcorp Genetics (formerly Invitae), Labcorp
Classification: Pathogenic for Early-infantile DEE. Last evaluated: 2022-08-31. Review status: criteria provided, single submitter. Criteria: Invitae Variant Classification Sherloc (09022015). Collection method: clinical testing. Allele origin: germline.
Comment: This variant has not been reported in the literature in individuals affected with CACNA2D2-related conditions. ClinVar contains an entry for this variant (Variation ID: 1434960). For these reasons, this variant has been classified as Pathogenic. This variant is not present in population databases (gnomAD no frequency). This sequence change creates a premature translational stop signal (p.Leu974Cysfs*35) in the CACNA2D2 gene. It is expected to result in an absent or disrupted protein product. Loss-of-function variants in CACNA2D2 are known to be pathogenic (PMID: 24358150).

Literature cited by the submitters: PubMed 24358150.